The following is an entry in ClinVar:

NM_130839.5(UBE3A):c.1425_1439del (p.Met475_Phe479del)

Genes: SNHG14 (small nucleolar RNA host gene 14; plus strand), UBE3A (ubiquitin protein ligase E3A; minus strand). Cytogenetic location: 15q11.2.
Variant type: Deletion.
Coding change: c.1425_1439del on transcript NM_130839.5 (MANE Select); coding-DNA positions 1425 to 1439, 15 bases deleted (GACATGTCCCTTTAT).
Protein change: p.Met475_Phe479del.
Molecular consequence: inframe deletion. On other transcripts: non-coding transcript variant (1), intron variant (2).
Genome position (GRCh38, 1-based): chr15:25,370,735-25,370,749, ATAAAGGGACATGTC deleted on the plus strand (GACATGTCCCTTTAT on the coding strand, the reverse complement: UBE3A is on the minus strand); deleting any 15 consecutive bases within chr15:25,370,735-25,370,754 gives the same sequence; the c. name uses the placement nearest the transcript's 3' end. VCF-style (leftmost placement, unchanged base first): chr15-25370734-TATAAAGGGACATGTC-T. GRCh37 (hg19) VCF-style: chr15-25615881-TATAAAGGGACATGTC-T.
Other names: c.1434_1448del, p.Met478_Phe482del (NM_000462.5); c.1425_1439del, p.Met475_Phe479del (NM_001354505.1, NM_001354538.2, NM_001354545.2); c.1365_1379del, p.Met455_Phe459del (NM_001354506.2, NM_001354507.2, NM_001354508.2 and 17 more transcripts); c.1248_1262del, p.Met416_Phe420del (NM_001354546.2); c.301+4716_301+4730del (NM_001354551.2); c.361+4716_361+4730del (NM_001354550.2).
Identifiers: ClinVar variation 136208 (VCV000136208.1), dbSNP rs587780585, ClinGen allele CA333493.

ClinVar aggregate classification (germline): Pathogenic (0 of 4 stars; one submission).

Conditions:
Angelman syndrome (AS). Also called: HAPPY PUPPET SYNDROME. Identifiers: Orphanet 72, MedGen C0162635, MONDO:0007113, OMIM 105830. Disease mechanism: loss of function. Inheritance: AS is caused by disruption of maternally imprinted UBE3A located within the 15q11.2-q13 Angelman syndrome/Prader-Willi syndrome (AS/PWS) region., imprinting disorder.

Submission:

Baylor Genetics
Classification: Pathogenic for Angelman Syndrome. Last evaluated: 2014-02-14. Review status: no assertion criteria provided. Collection method: clinical testing. Allele origin: de novo. Affected: yes. Observed: 1 variant allele. Study: UBE3A Mutation Study.
Comment: Data collected from clinical UBE3A sequence analysis results

Literature cited by the submitters: PubMed 25212744.